The following is an entry in ClinVar:

NM_018706.7(DHTKD1):c.326G>A (p.Gly109Glu)

Gene: DHTKD1 (dehydrogenase E1 and transketolase domain containing 1; plus strand). Cytogenetic location: 10p14.
Variant type: single nucleotide variant.
Coding change: c.326G>A on transcript NM_018706.7 (MANE Select); coding-DNA position 326, G replaced by A.
Protein change: p.Gly109Glu; replaces glycine 109 with glutamic acid.
Molecular consequence: missense variant.
Genome position (GRCh38, 1-based): chr10:12,084,555, G>A. VCF-style: chr10-12084555-G-A. GRCh37 (hg19) VCF-style: chr10-12126554-G-A.
Other names: short protein forms G109E.
Identifiers: ClinVar variation 2101898 (VCV002101898.4), dbSNP rs759872323, ClinGen allele CA5407521.

ClinVar aggregate classification (germline): Uncertain significance (1 of 4 stars; one submission).

Conditions:
2-aminoadipic 2-oxoadipic aciduria (AAKAD). Also called: Aminoadipic aciduria; ALPHA-AMINOADIPIC AND ALPHA-KETOADIPIC ACIDURIA. Identifiers: Orphanet 79154, MedGen C1859817, MONDO:0008774, OMIM 204750.

Allele frequency attached by ClinVar (database versions not stated): ExAC 0.00001.
gnomAD v4.1: 1 of 1,607,166 alleles (0.000062%); highest among the groups gnomAD compares: Non-Finnish European, 0.000085%; no homozygotes.

Submission:

Labcorp Genetics (formerly Invitae), Labcorp
Classification: Uncertain significance for 2-aminoadipic 2-oxoadipic aciduria. Last evaluated: 2023-08-11. Review status: criteria provided, single submitter. Criteria: Invitae Variant Classification Sherloc (09022015). Collection method: clinical testing. Allele origin: germline.
Comment: This sequence change replaces glycine, which is neutral and non-polar, with glutamic acid, which is acidic and polar, at codon 109 of the DHTKD1 protein (p.Gly109Glu). This variant is present in population databases (rs759872323, gnomAD 0.0009%). This variant has not been reported in the literature in individuals affected with DHTKD1-related conditions. ClinVar contains an entry for this variant (Variation ID: 2101898). Advanced modeling of protein sequence and biophysical properties (such as structural, functional, and spatial information, amino acid conservation, physicochemical variation, residue mobility, and thermodynamic stability) performed at Invitae indicates that this missense variant is not expected to disrupt DHTKD1 protein function. In summary, the available evidence is currently insufficient to determine the role of this variant in disease. Therefore, it has been classified as a Variant of Uncertain Significance.